The following is an entry in ClinVar:

NM_003458.4(BSN):c.4374C>T (p.Asp1458=)

Gene: BSN (bassoon presynaptic cytomatrix protein; plus strand). Cytogenetic location: 3p21.31.
Variant type: single nucleotide variant.
Coding change: c.4374C>T on transcript NM_003458.4 (MANE Select); coding-DNA position 4374, C replaced by T.
Protein change: p.Asp1458=; no amino-acid change (aspartic acid 1458 retained).
Molecular consequence: synonymous variant.
Genome position (GRCh38, 1-based): chr3:49,653,930, C>T. VCF-style: chr3-49653930-C-T. GRCh37 (hg19) VCF-style: chr3-49691363-C-T.
Identifiers: ClinVar variation 3050292 (VCV003050292.2), dbSNP rs117032536, ClinGen allele CA2400123.

ClinVar aggregate classification (germline): Benign (0 of 4 stars; one submission).

Conditions:
BSN-related disorder. Also called: BSN-related condition.

Allele frequency attached by ClinVar (database versions not stated): ESP Exome Variant Server 0.00015; gnomAD 0.00046; TOPMed 0.00049; gnomAD exomes 0.00051; ExAC 0.00119; 1000 Genomes Project 30x 0.00156; 1000 Genomes Project 0.00180.
gnomAD v4.1: 812 of 1,614,142 alleles (0.05%); highest among the groups gnomAD compares: East Asian, 1.4%; 6 homozygotes.

Submission:

PreventionGenetics, part of Exact Sciences
Classification: Benign for BSN-related condition. Last evaluated: 2019-07-30. Review status: no assertion criteria provided. Collection method: clinical testing. Allele origin: germline.
Comment: This variant is classified as benign based on ACMG/AMP sequence variant interpretation guidelines (Richards et al. 2015 PMID: 25741868, with internal and published modifications).